The following is an entry in ClinVar:

NM_004990.4(MARS1):c.764A>G (p.Asn255Ser)

Gene: MARS1 (methionyl-tRNA synthetase 1; plus strand). Cytogenetic location: 12q13.3.
Variant type: single nucleotide variant.
Coding change: c.764A>G on transcript NM_004990.4 (MANE Select); coding-DNA position 764, A replaced by G.
Protein change: p.Asn255Ser; replaces asparagine 255 with serine.
Molecular consequence: missense variant.
Genome position (GRCh38, 1-based): chr12:57,490,638, A>G. VCF-style: chr12-57490638-A-G. GRCh37 (hg19) VCF-style: chr12-57884421-A-G.
Other names: short protein forms N255S.
Identifiers: ClinVar variation 2923273 (VCV002923273.3), dbSNP rs1290294795, ClinGen allele CA385493113.
Genomic context (GRCh38, chr12:57,490,638, plus strand): 5'-TGGCTGTTACTGCTTGGGAGAAGGGCCTAGAAAGTTTGCCCCCGCTGCGGCCCCAGCAGA[A>G]TCCAGTGTGAGTAGACATGGCACATGTGAGTGGGGCTTGATTTTGTAGTGGAAATTGTTG-3'
Protein context (NP_004981.2, residues 245-265): ESLPPLRPQQ[Asn255Ser]PVLPVAGERN

ClinVar aggregate classification (germline): Uncertain significance (1 of 4 stars; one submission).

Conditions:
Charcot-Marie-Tooth disease axonal type 2U. Also called: CHARCOT-MARIE-TOOTH NEUROPATHY, TYPE 2U; CHARCOT-MARIE-TOOTH DISEASE, AXONAL, AUTOSOMAL DOMINANT, TYPE 2U. Identifiers: Orphanet 397735, MedGen C4084821, MONDO:0014566, OMIM 616280.
Severe early-onset pulmonary alveolar proteinosis due to MARS deficiency. Also called: PULMONARY ALVEOLAR PROTEINOSIS, REUNION ISLAND; Interstitial lung and liver disease. Identifiers: Orphanet 440427, MedGen C4225400, MONDO:0014206, OMIM 615486.

Allele frequency attached by ClinVar (database versions not stated): gnomAD exomes below 0.00001; gnomAD 0.00001; TOPMed 0.00001.
gnomAD v4.1: 2 of 1,613,940 alleles (0.00012%); highest among the groups gnomAD compares: Non-Finnish European, 0.00017%; no homozygotes.

Submission:

Labcorp Genetics (formerly Invitae), Labcorp
Classification: Uncertain significance for Charcot-Marie-Tooth disease axonal type 2U; Severe early-onset pulmonary alveolar proteinosis due to MARS deficiency. Last evaluated: 2023-07-19. Review status: criteria provided, single submitter. Criteria: Invitae Variant Classification Sherloc (09022015). Collection method: clinical testing. Allele origin: germline.
Comment: This sequence change replaces asparagine, which is neutral and polar, with serine, which is neutral and polar, at codon 255 of the MARS protein (p.Asn255Ser). This variant is not present in population databases (gnomAD no frequency). In summary, the available evidence is currently insufficient to determine the role of this variant in disease. Therefore, it has been classified as a Variant of Uncertain Significance. Algorithms developed to predict the effect of missense changes on protein structure and function output the following: SIFT: "Not Available"; PolyPhen-2: "Benign"; Align-GVGD: "Not Available". The serine amino acid residue is found in multiple mammalian species, which suggests that this missense change does not adversely affect protein function. This variant has not been reported in the literature in individuals affected with MARS-related conditions.